The following is an entry in ClinVar:

NM_001100.4(ACTA1):c.866T>A (p.Ile289Asn)

Gene: ACTA1 (actin alpha 1, skeletal muscle; minus strand). Cytogenetic location: 1q42.13.
Variant type: single nucleotide variant.
Coding change: c.866T>A on transcript NM_001100.4 (MANE Select); coding-DNA position 866, T replaced by A.
Protein change: p.Ile289Asn; replaces isoleucine 289 with asparagine.
Molecular consequence: missense variant.
Genome position (GRCh38, 1-based): chr1:229,431,845, A>T on the plus strand (T>A on the coding strand, the complement: ACTA1 is on the minus strand). VCF-style: chr1-229431845-A-T. GRCh37 (hg19) VCF-style: chr1-229567592-A-T.
Other names: short protein forms I289N.
Identifiers: ClinVar variation 952017 (VCV000952017.10), dbSNP rs1659943773, ClinGen allele CA345145973.

ClinVar aggregate classification (germline): Uncertain significance (1 of 4 stars; one submission).

Conditions:
Actin accumulation myopathy (CMYO2A). Also called: Myopathy, actin, congenital, with cores; Nemaline myopathy 3, with intranuclear rods; CONGENITAL MYOPATHY 2A, TYPICAL, AUTOSOMAL DOMINANT; Nemaline myopathy type 3; Myopathy, actin, congenital, with excess of thin myofilaments. Identifiers: Orphanet 98904, MedGen C3711389, MONDO:0008070, OMIM 161800.

Submission:

Labcorp Genetics (formerly Invitae), Labcorp
Classification: Uncertain significance for Actin accumulation myopathy. Last evaluated: 2019-07-28. Review status: criteria provided, single submitter. Criteria: Invitae Variant Classification Sherloc (09022015). Collection method: clinical testing. Allele origin: germline.
Comment: In summary, the available evidence is currently insufficient to determine the role of this variant in disease. Therefore, it has been classified as a Variant of Uncertain Significance. Algorithms developed to predict the effect of missense changes on protein structure and function (SIFT, PolyPhen-2, Align-GVGD) all suggest that this variant is likely to be disruptive, but these predictions have not been confirmed by published functional studies and their clinical significance is uncertain. This variant has not been reported in the literature in individuals with ACTA1-related conditions. This variant is not present in population databases (ExAC no frequency). This sequence change replaces isoleucine with asparagine at codon 289 of the ACTA1 protein (p.Ile289Asn). The isoleucine residue is highly conserved and there is a large physicochemical difference between isoleucine and asparagine.